The following is an entry in ClinVar:

NM_006306.4(SMC1A):c.*5444G>A

Gene: SMC1A (structural maintenance of chromosomes 1A; minus strand). Cytogenetic location: Xp11.22.
Variant type: single nucleotide variant.
Coding change: c.*5444G>A on transcript NM_006306.4 (MANE Select); 5444 bases downstream of the stop codon, G replaced by A.
Molecular consequence: 3 prime UTR variant.
Genome position (GRCh38, 1-based): chrX:53,374,659, C>T on the plus strand (G>A on the coding strand, the complement: SMC1A is on the minus strand). VCF-style: chrX-53374659-C-T. GRCh37 (hg19) VCF-style: chrX-53401580-C-T.
Other names: c.*5444G>A (NM_001281463.1).
Identifiers: ClinVar variation 368545 (VCV000368545.5), dbSNP rs181871602, ClinGen allele CA10654359.
Genomic context (GRCh38, chrX:53,374,659, plus strand): 5'-ATGATCTTATCTATTCAAGCCTTCTGCTGCTTTGTGGATCTCATAGTCAGTTTTGTCTCA[C>T]GGTTTCTGTTCCTCGTGGCTCCTATTGCTTCATGGCTTCTAGCCCATTGTTGCCTTGCTG-3'

ClinVar aggregate classification (germline): Benign (1 of 4 stars; one submission).

Conditions:
Congenital muscular hypertrophy-cerebral syndrome (CDLS2). Also called: Cornelia de Lange syndrome 2; SMC1A-Related Cornelia de Lange Syndrome. Identifiers: Orphanet 199, MedGen C1802395, MONDO:0010370, OMIM 300590.

Allele frequency attached by ClinVar (database versions not stated): TOPMed 0.00029; gnomAD 0.00055; 1000 Genomes Project 30x 0.00062; 1000 Genomes Project 0.00079; gnomAD exomes 0.00229.
gnomAD v4.1: 61 of 112,048 alleles (0.054%); highest among the groups gnomAD compares: Non-Finnish European, 0.049%; no homozygotes.

Submission:

Illumina Laboratory Services, Illumina
Classification: Benign for Congenital muscular hypertrophy-cerebral syndrome. Last evaluated: 2018-01-12. Review status: criteria provided, single submitter. Criteria: ICSL Variant Classification Criteria 13 December 2019. Collection method: clinical testing. Allele origin: germline.
Comment: This variant was observed in the ICSL laboratory as part of a predisposition screen in an ostensibly healthy population. It had not been previously curated by ICSL or reported in the Human Gene Mutation Database (HGMD: prior to June 1st, 2018), and was therefore a candidate for classification through an automated scoring system. Utilizing variant allele frequency, disease prevalence and penetrance estimates, and inheritance mode, an automated score was calculated to assess if this variant is too frequent to cause the disease. Based on the score and internal cut-off values, a variant classified as benign is not then subjected to further curation. The score for this variant resulted in a classification of benign for this disease.